The following is an entry in ClinVar:

ClinVar aggregate classification (germline): Uncertain significance (1 of 4 stars; one submission).

Conditions:
Inborn genetic diseases. Identifiers: MedGen C0950123, MeSH D030342.

Submission:

Ambry Genetics
Classification: Uncertain significance for Inborn genetic diseases. Last evaluated: 2023-07-29. Review status: criteria provided, single submitter. Criteria: Ambry Variant Classification Scheme 2023. Collection method: clinical testing. Allele origin: germline.
Comment: The p.E219A variant (also known as c.656A>C), located in coding exon 6 of the LRRK2 gene, results from an A to C substitution at nucleotide position 656. The glutamic acid at codon 219 is replaced by alanine, an amino acid with dissimilar properties. This amino acid position is conserved. In addition, this alteration is predicted to be tolerated by in silico analysis. Since supporting evidence is limited at this time, the clinical significance of this alteration remains unclear.

NM_198578.4(LRRK2):c.656A>C (p.Glu219Ala)

Gene: LRRK2 (leucine rich repeat kinase 2; plus strand). Cytogenetic location: 12q12.
Variant type: single nucleotide variant.
Coding change: c.656A>C on transcript NM_198578.4 (MANE Select); coding-DNA position 656, A replaced by C.
Protein change: p.Glu219Ala; replaces glutamic acid 219 with alanine.
Molecular consequence: missense variant.
Genome position (GRCh38, 1-based): chr12:40,240,567, A>C. VCF-style: chr12-40240567-A-C. GRCh37 (hg19) VCF-style: chr12-40634369-A-C.
Other names: short protein forms E219A.
Identifiers: ClinVar variation 2587275 (VCV002587275.2), dbSNP rs2499436536, ClinGen allele CA384404829.